The following is an entry in ClinVar:

ClinVar aggregate classification (germline): Uncertain significance (1 of 4 stars; one submission).

Conditions:
Early-infantile DEE. Also called: Ohtahara syndrome; Early infantile epileptic encephalopathy with suppression bursts; Early infantile epileptic encephalopathy. Identifiers: Orphanet 1934, MedGen C0393706, MONDO:0800491.

Submission:

Labcorp Genetics (formerly Invitae), Labcorp
Classification: Uncertain significance for Early-infantile DEE. Last evaluated: 2020-01-27. Review status: criteria provided, single submitter. Criteria: Invitae Variant Classification Sherloc (09022015). Collection method: clinical testing. Allele origin: germline.
Comment: This variant is not present in population databases (ExAC no frequency). In summary, the available evidence is currently insufficient to determine the role of this variant in disease. Therefore, it has been classified as a Variant of Uncertain Significance. Algorithms developed to predict the effect of missense changes on protein structure and function (SIFT, PolyPhen-2, Align-GVGD) all suggest that this variant is likely to be disruptive, but these predictions have not been confirmed by published functional studies and their clinical significance is uncertain. This variant has not been reported in the literature in individuals with SCN1A-related conditions. This sequence change replaces phenylalanine with valine at codon 1692 of the SCN1A protein (p.Phe1692Val). The phenylalanine residue is highly conserved and there is a small physicochemical difference between phenylalanine and valine.

NM_001165963.4(SCN1A):c.5074T>G (p.Phe1692Val)

Genes: SCN1A (sodium voltage-gated channel alpha subunit 1; minus strand), LOC102724058 (uncharacterized LOC102724058; plus strand). Cytogenetic location: 2q24.3.
Variant type: single nucleotide variant.
Coding change: c.5074T>G on transcript NM_001165963.4 (MANE Select); coding-DNA position 5074, T replaced by G.
Protein change: p.Phe1692Val; replaces phenylalanine 1692 with valine.
Molecular consequence: missense variant. On other transcripts: non-coding transcript variant (1).
Genome position (GRCh38, 1-based): chr2:165,992,201, A>C on the plus strand (T>G on the coding strand, the complement: SCN1A is on the minus strand). VCF-style: chr2-165992201-A-C. GRCh37 (hg19) VCF-style: chr2-166848711-A-C.
Other names: c.4990T>G, p.Phe1664Val (NM_001165964.3, NM_001353957.2, NM_001353958.2); c.5074T>G, p.Phe1692Val (NM_001202435.3, NM_001353948.2); c.5041T>G, p.Phe1681Val (NM_001353949.2, NM_001353950.2, NM_001353951.2 and 2 more transcripts); c.5038T>G, p.Phe1680Val (NM_001353954.2, NM_001353955.2); c.4987T>G, p.Phe1663Val (NM_001353960.2); c.2632T>G, p.Phe878Val (NM_001353961.2); short protein forms F1663V, F1680V, F878V, F1664V, F1681V, F1692V.
Identifiers: ClinVar variation 1042429 (VCV001042429.10), dbSNP rs1689313945, ClinGen allele CA349069366.